The following is an entry in ClinVar:

ClinVar aggregate classification (germline): Likely pathogenic (1 of 4 stars; one submission).

Submission:

Dasa
Classification: Likely pathogenic. Last evaluated: 2025-04-14. Review status: criteria provided, single submitter. Criteria: DASA Assertion Criteria. Collection method: clinical testing. Allele origin: germline.
Comment: NM_182961.4(SYNE1):c.10483C>T (p.Gln3495*) is a nonsense variant in SYNE1 predicted to introduce a premature termination codon and is predicted to result in an absent or altered protein product. Loss of function is an established disease mechanism for SYNE1-associated disorders. Also, this variant is absent from population databases. Based on the currently available evidence, this variant is classified as likely pathogenic.

NM_182961.4(SYNE1):c.10483C>T (p.Gln3495Ter)

Gene: SYNE1 (spectrin repeat containing nuclear envelope protein 1; minus strand). Cytogenetic location: 6q25.2.
Variant type: single nucleotide variant.
Coding change: c.10483C>T on transcript NM_182961.4 (MANE Select); coding-DNA position 10483, C replaced by T.
Protein change: p.Gln3495Ter; replaces glutamine 3495 with a stop codon.
Molecular consequence: nonsense.
Genome position (GRCh38, 1-based): chr6:152,358,498, G>A on the plus strand (C>T on the coding strand, the complement: SYNE1 is on the minus strand). VCF-style: chr6-152358498-G-A. GRCh37 (hg19) VCF-style: chr6-152679633-G-A.
Other names: c.10504C>T, p.Gln3502Ter (NM_033071.5); short protein forms Q3495*, Q3502*.
Identifiers: ClinVar variation 4881013 (VCV004881013.2).
Genomic context (GRCh38, chr6:152,358,498, plus strand): 5'-GCTTTTCTTGTTCTTGCCCCAACCAAACTTCAAATGCCTTTAGGTCTCTCTGATACTCTT[G>A]GTGCAGGCGGACAAGTTTTTCAGACTTGGTTACGGCTTCCTATAATTAGCATTTAAAATA-3'